The following is an entry in ClinVar:

NM_207391.3(RGS9BP):c.352G>A (p.Ala118Thr)

Gene: RGS9BP (regulator of G protein signaling 9 binding protein; plus strand). Cytogenetic location: 19q13.11.
Variant type: single nucleotide variant.
Coding change: c.352G>A on transcript NM_207391.3 (MANE Select); coding-DNA position 352, G replaced by A.
Protein change: p.Ala118Thr; replaces alanine 118 with threonine.
Molecular consequence: missense variant.
Genome position (GRCh38, 1-based): chr19:32,676,615, G>A. VCF-style: chr19-32676615-G-A. GRCh37 (hg19) VCF-style: chr19-33167521-G-A.
Other names: short protein forms A118T.
Identifiers: ClinVar variation 849645 (VCV000849645.10), dbSNP rs1662690024, ClinGen allele CA405186488.
Genomic context (GRCh38, chr19:32,676,615, plus strand): 5'-GAGCTGGGCGCCGCGTTCCCGCTGCACGCGCCGCGGCGGCCGCTGGTGCGCACAGGTGTG[G>A]CTGGCGCCTCCTCCGGCGTGGCGGCGCGCGCGCTGAGCACCCGCAGCCTGCGGCTCGAGG-3'
Protein context (NP_997274.2, residues 108-128): PRRPLVRTGV[Ala118Thr]GASSGVAARA

ClinVar aggregate classification (germline): Uncertain significance. Review status: criteria provided, multiple submitters, no conflicts (2 of 4 stars). 2 submissions from 2 submitters: Uncertain significance (2). Last evaluated 2025-04-01.

Allele frequency attached by ClinVar (database versions not stated): gnomAD exomes below 0.00001; gnomAD 0.00001 and 0.00002; TOPMed 0.00001.
gnomAD v4.1: 5 of 1,527,506 alleles (0.00033%); highest among the groups gnomAD compares: Admixed American, 0.004%; no homozygotes.

Submissions (2):

Ambry Genetics
Classification: Uncertain significance. Last evaluated: 2025-04-01. Review status: criteria provided, single submitter. Criteria: Ambry Variant Classification Scheme 2023. Collection method: clinical testing. Allele origin: germline.

Labcorp Genetics (formerly Invitae), Labcorp
Classification: Uncertain significance. Last evaluated: 2019-12-05. Review status: criteria provided, single submitter. Criteria: Invitae Variant Classification Sherloc (09022015). Collection method: clinical testing. Allele origin: germline.
Comment: In summary, the available evidence is currently insufficient to determine the role of this variant in disease. Therefore, it has been classified as a Variant of Uncertain Significance. Algorithms developed to predict the effect of missense changes on protein structure and function output the following: SIFT: "Tolerated"; PolyPhen-2: "Benign"; Align-GVGD: "Class C0". The threonine amino acid residue is found in multiple mammalian species, suggesting that this missense change does not adversely affect protein function. These predictions have not been confirmed by published functional studies and their clinical significance is uncertain. This variant has not been reported in the literature in individuals with RGS9BP-related conditions. The frequency data for this variant in the population databases is considered unreliable, as metrics indicate insufficient coverage at this position in the ExAC database. This sequence change replaces alanine with threonine at codon 118 of the RGS9BP protein (p.Ala118Thr). The alanine residue is weakly conserved and there is a small physicochemical difference between alanine and threonine.